The following is an entry in ClinVar:

ClinVar aggregate classification (germline): Conflicting classifications of pathogenicity. Review status: criteria provided, conflicting classifications (1 of 4 stars). 3 submissions from 3 submitters: Pathogenic (1); Likely pathogenic (1); Uncertain significance (1). Last evaluated 2026-03-30.

Conditions:
Polycystic kidney disease, adult type (PKD1). Also called: Polycystic Kidney Disease 1, Autosomal Dominant; Polycystic kidney disease 1; Polycystic kidney disease 1, severe; Polycystic Kidney, Autosomal Dominant; POLYCYSTIC KIDNEY DISEASE, ADULT, TYPE I; POLYCYSTIC KIDNEY DISEASE 1 WITH OR WITHOUT POLYCYSTIC LIVER DISEASE. Identifiers: MedGen C3149841, MONDO:0008263, OMIM 173900.

Submissions (3):

Women's Health and Genetics/Laboratory Corporation of America, LabCorp
Classification: Likely pathogenic for Polycystic kidney disease, adult type. Last evaluated: 2026-03-30. Review status: criteria provided, single submitter. Criteria: LabCorp Variant Classification Summary - May 2015. Collection method: clinical testing. Allele origin: germline.
Comment: Variant summary: PKD1 c.11412-1G>C is located in a canonical splice-site and is predicted to affect mRNA splicing resulting in a significantly altered protein due to either exon skipping, shortening, or inclusion of intronic material. Variants that disrupt the consensus splice site are a relatively common cause of aberrant splicing and loss of PKD1 function. Several computational tools predict a significant impact on normal splicing: Four predict the variant abolishes a 3' acceptor site. However, these predictions have yet to be confirmed by functional studies. The variant was absent in 240764 control chromosomes. c.11412-1G>C has been observed in individual(s) affected with Polycystic Kidney Disease 1 (Wolff_2025). This report does not provide unequivocal conclusions about association of the variant with PKD1-related conditions. To our knowledge, no experimental evidence demonstrating an impact on protein function has been reported. The following publication has been ascertained in the context of this evaluation (PMID: 39705090). ClinVar contains an entry for this variant (Variation ID: 3236765). Based on the evidence outlined above, the variant was classified as likely pathogenic.

Athena Diagnostics
Classification: Uncertain significance. Last evaluated: 2025-07-02. Review status: criteria provided, single submitter. Criteria: Athena Diagnostics Criteria. Collection method: clinical testing. Allele origin: unknown.
Comment: Available data are insufficient to determine the clinical significance of the variant at this time. This variant has not been reported in large, multi-ethnic general populations. This variant is expected to maintain the transcript reading frame. However, it may still disrupt protein function. Computational tools yielded predictions that this variant may interfere with normal RNA splicing.

MVZ Medizinische Genetik Mainz
Classification: Pathogenic for Polycystic kidney disease, adult type. Last evaluated: 2022-10-31. Review status: criteria provided, single submitter. Criteria: UK Practice Guidelines For Variant Classification V4 01 2020. Collection method: clinical testing. Allele origin: germline. Inheritance: Autosomal dominant inheritance. Affected: yes. Observed: 1 variant allele.
Comment: ACMG Criteria: PVS1, PS1_SUP, PS4_SUP, PM2_SUP, PP4

Literature cited by the submitters: PubMed 39705090 (cited by Women's Health and Genetics/Laboratory Corporation of America, LabCorp).

NM_001009944.3(PKD1):c.11412-1G>C

Genes: PKD1 (polycystin 1, transient receptor potential channel interacting; minus strand), PKD1-AS1 (PKD1 antisense RNA 1; plus strand). Cytogenetic location: 16p13.3.
Variant type: single nucleotide variant.
Coding change: c.11412-1G>C on transcript NM_001009944.3 (MANE Select); the canonical splice acceptor site of the intron before coding-DNA position 11412, G replaced by C.
Molecular consequence: splice acceptor variant.
Genome position (GRCh38, 1-based): chr16:2,091,907, C>G on the plus strand (G>C on the coding strand, the complement: PKD1 is on the minus strand). VCF-style: chr16-2091907-C-G. GRCh37 (hg19) VCF-style: chr16-2141908-C-G.
Other names: c.11409-1G>C (NM_000296.4, NM_000296.3).
Identifiers: ClinVar variation 3236765 (VCV003236765.3), dbSNP rs2544621386.